The following is an entry in ClinVar:

ClinVar aggregate classification (germline): Uncertain significance (1 of 4 stars; one submission).

Conditions:
Developmental and epileptic encephalopathy, 42 (DEE42A). Also called: Epileptic encephalopathy, early infantile, 42; DEVELOPMENTAL AND EPILEPTIC ENCEPHALOPATHY 42A; EPILEPTIC ENCEPHALOPATHY, EARLY INFANTILE, 42A. Identifiers: MedGen C4310716, MONDO:0014917, OMIM 617106.
Episodic ataxia type 2 (EA2). Also called: CEREBELLAR ATAXIA, PAROXYSMAL, ACETAZOLAMIDE-RESPONSIVE; CEREBELLOPATHY, HEREDITARY PAROXYSMAL; EPISODIC ATAXIA, NYSTAGMUS-ASSOCIATED; ATAXIA, EPISODIC, WITH NYSTAGMUS; ATAXIA, FAMILIAL PAROXYSMAL; ACETAZOLAMIDE-RESPONSIVE HEREDITARY PAROXYSMAL CEREBELLAR ATAXIA. Identifiers: Orphanet 97, MedGen C1720416, MONDO:0007163, OMIM 108500.

Submission:

Labcorp Genetics (formerly Invitae), Labcorp
Classification: Uncertain significance for Developmental and epileptic encephalopathy, 42; Episodic ataxia type 2. Last evaluated: 2020-01-04. Review status: criteria provided, single submitter. Criteria: Invitae Variant Classification Sherloc (09022015). Collection method: clinical testing. Allele origin: germline.
Comment: This variant is not present in population databases (ExAC no frequency). This sequence change replaces methionine with isoleucine at codon 1747 of the CACNA1A protein (p.Met1747Ile). The methionine residue is highly conserved and there is a small physicochemical difference between methionine and isoleucine. This variant has not been reported in the literature in individuals with CACNA1A-related disease. In summary, the available evidence is currently insufficient to determine the role of this variant in disease. Therefore, it has been classified as a Variant of Uncertain Significance. Algorithms developed to predict the effect of missense changes on protein structure and function (SIFT, PolyPhen-2, Align-GVGD) all suggest that this variant is likely to be tolerated, but these predictions have not been confirmed by published functional studies and their clinical significance is uncertain.

NM_001127222.2(CACNA1A):c.5238G>C (p.Met1746Ile)

Gene: CACNA1A (calcium voltage-gated channel subunit alpha1 A; minus strand). Cytogenetic location: 19p13.13.
Variant type: single nucleotide variant.
Coding change: c.5238G>C on transcript NM_001127222.2 (MANE Select); coding-DNA position 5238, G replaced by C.
Protein change: p.Met1746Ile; replaces methionine 1746 with isoleucine.
Molecular consequence: missense variant.
Genome position (GRCh38, 1-based): chr19:13,234,932, C>G on the plus strand (G>C on the coding strand, the complement: CACNA1A is on the minus strand). VCF-style: chr19-13234932-C-G. GRCh37 (hg19) VCF-style: chr19-13345746-C-G.
Other names: c.5256G>C, p.Met1752Ile (NM_000068.4, NM_023035.3); c.5241G>C, p.Met1747Ile (NM_001127221.2); c.5247G>C, p.Met1749Ile (NM_001174080.2); short protein forms M1746I, M1747I, M1752I, M1749I.
Identifiers: ClinVar variation 641469 (VCV000641469.9), dbSNP rs1210283621, ClinGen allele CA404335539.